The following is an entry in ClinVar:

ClinVar aggregate classification (germline): Uncertain significance. Review status: criteria provided, multiple submitters, no conflicts (2 of 4 stars). 2 submissions from 2 submitters: Uncertain significance (2). Last evaluated 2024-08-28.

Conditions:
Early Myoclonic Encephalopathy. Identifiers: MedGen C0270855.

Allele frequency attached by ClinVar (database versions not stated): gnomAD exomes below 0.00001 and 0.00001; ExAC 0.00001; TOPMed 0.00002; gnomAD 0.00002.
gnomAD v4.1: 12 of 1,614,016 alleles (0.00074%); highest among the groups gnomAD compares: African/African-American, 0.011%; no homozygotes.

Submissions (2):

Ambry Genetics
Classification: Uncertain significance. Last evaluated: 2024-08-28. Review status: criteria provided, single submitter. Criteria: Ambry Variant Classification Scheme 2023. Collection method: clinical testing. Allele origin: germline.

Labcorp Genetics (formerly Invitae), Labcorp
Classification: Uncertain significance for Early Myoclonic Encephalopathy. Last evaluated: 2023-04-12. Review status: criteria provided, single submitter. Criteria: Invitae Variant Classification Sherloc (09022015). Collection method: clinical testing. Allele origin: germline.
Comment: In summary, the available evidence is currently insufficient to determine the role of this variant in disease. Therefore, it has been classified as a Variant of Uncertain Significance. Advanced modeling of protein sequence and biophysical properties (such as structural, functional, and spatial information, amino acid conservation, physicochemical variation, residue mobility, and thermodynamic stability) performed at Invitae indicates that this missense variant is not expected to disrupt JMJD1C protein function. ClinVar contains an entry for this variant (Variation ID: 652923). This variant has not been reported in the literature in individuals affected with JMJD1C-related conditions. This variant is present in population databases (rs746434432, gnomAD 0.006%). This sequence change replaces histidine, which is basic and polar, with arginine, which is basic and polar, at codon 1188 of the JMJD1C protein (p.His1188Arg).

NM_032776.3(JMJD1C):c.3563A>G (p.His1188Arg)

Gene: JMJD1C (jumonji domain containing 1C; minus strand). Cytogenetic location: 10q21.3.
Variant type: single nucleotide variant.
Coding change: c.3563A>G on transcript NM_032776.3 (MANE Select); coding-DNA position 3563, A replaced by G.
Protein change: p.His1188Arg; replaces histidine 1188 with arginine.
Molecular consequence: missense variant. On other transcripts: non-coding transcript variant (1).
Genome position (GRCh38, 1-based): chr10:63,208,106, T>C on the plus strand (A>G on the coding strand, the complement: JMJD1C is on the minus strand). VCF-style: chr10-63208106-T-C. GRCh37 (hg19) VCF-style: chr10-64967866-T-C.
Other names: c.3563A>G (NM_032776.1); c.3017A>G, p.His1006Arg (NM_001282948.2, NM_001318154.2); c.2699A>G, p.His900Arg (NM_001318153.2); c.3449A>G, p.His1150Arg (NM_001322252.2); c.2906A>G, p.His969Arg (NM_001322254.2, NM_001322258.2); short protein forms H900R, H1150R, H969R, H1006R, H1188R.
Identifiers: ClinVar variation 652923 (VCV000652923.6), dbSNP rs746434432, ClinGen allele CA5518411.